The following is an entry in ClinVar:

ClinVar aggregate classification (germline): Uncertain significance. Review status: criteria provided, multiple submitters, no conflicts (2 of 4 stars). 2 submissions from 2 submitters: Uncertain significance (2). Last evaluated 2022-08-05.

Conditions:
Tuberous sclerosis 2 (TSC2). Identifiers: Orphanet 805, MedGen C1860707, MONDO:0013199, OMIM 613254.

Submissions (2):

GeneDx
Classification: Uncertain significance. Last evaluated: 2022-08-05. Review status: criteria provided, single submitter. Criteria: GeneDx Variant Classification Process June 2021. Collection method: clinical testing. Allele origin: germline. Affected: yes.
Comment: Not observed at significant frequency in large population cohorts (gnomAD); In silico analysis supports that this missense variant does not alter protein structure/function; Has not been previously published as pathogenic or benign to our knowledge

Labcorp Genetics (formerly Invitae), Labcorp
Classification: Uncertain significance for Tuberous sclerosis 2. Last evaluated: 2020-02-13. Review status: criteria provided, single submitter. Criteria: Invitae Variant Classification Sherloc (09022015). Collection method: clinical testing. Allele origin: germline.
Comment: In summary, the available evidence is currently insufficient to determine the role of this variant in disease. Therefore, it has been classified as a Variant of Uncertain Significance. Algorithms developed to predict the effect of missense changes on protein structure and function (SIFT, PolyPhen-2, Align-GVGD) all suggest that this variant is likely to be tolerated, but these predictions have not been confirmed by published functional studies and their clinical significance is uncertain. This variant has not been reported in the literature in individuals with TSC2-related conditions. This variant is not present in population databases (ExAC no frequency). This sequence change replaces valine with phenylalanine at codon 1363 of the TSC2 protein (p.Val1363Phe). The valine residue is weakly conserved and there is a small physicochemical difference between valine and phenylalanine.

NM_000548.5(TSC2):c.4087G>T (p.Val1363Phe)

Gene: TSC2 (TSC complex subunit 2; plus strand). Cytogenetic location: 16p13.3.
Variant type: single nucleotide variant.
Coding change: c.4087G>T on transcript NM_000548.5 (MANE Select); coding-DNA position 4087, G replaced by T.
Protein change: p.Val1363Phe; replaces valine 1363 with phenylalanine.
Molecular consequence: missense variant.
Genome position (GRCh38, 1-based): chr16:2,084,309, G>T. VCF-style: chr16-2084309-G-T. GRCh37 (hg19) VCF-style: chr16-2134310-G-T.
Other names: c.4087G>T (NM_000548.3); c.3886G>T, p.Val1296Phe (NM_001077183.3); c.4018G>T, p.Val1340Phe (NM_001114382.3); c.3778G>T, p.Val1260Phe (NM_001318827.2); c.3742G>T, p.Val1248Phe (NM_001318829.2); c.3355G>T, p.Val1119Phe (NM_001318831.2); c.3919G>T, p.Val1307Phe (NM_001318832.2); c.3889G>T, p.Val1297Phe (NM_001363528.2); and 2 more; short protein forms V1319F, V1320F, V1119F, V1297F, V1307F, V1260F, V1296F, V1340F.
Identifiers: ClinVar variation 1039558 (VCV001039558.10), dbSNP rs751203255, ClinGen allele CA394299456.